The following is an entry in ClinVar:

ClinVar aggregate classification (germline): Pathogenic (1 of 4 stars; one submission).

Conditions:
Zellweger spectrum disorders (ZS). Also called: Zellweger Spectrum Disorder; Zellweger Spectrum; Zellweger syndrome; Zellweger Spectrum Disorder (ZSD). Identifiers: Orphanet 912, MedGen C0043459, MONDO:0019609.

Submission:

Labcorp Genetics (formerly Invitae), Labcorp
Classification: Pathogenic for Zellweger spectrum disorders. Last evaluated: 2023-06-25. Review status: criteria provided, single submitter. Criteria: Invitae Variant Classification Sherloc (09022015). Collection method: clinical testing. Allele origin: germline.
Comment: For these reasons, this variant has been classified as Pathogenic. ClinVar contains an entry for this variant (Variation ID: 954386). This variant has not been reported in the literature in individuals affected with PEX1-related conditions. This variant is not present in population databases (gnomAD no frequency). This sequence change creates a premature translational stop signal (p.Lys83Asnfs*49) in the PEX1 gene. It is expected to result in an absent or disrupted protein product. Loss-of-function variants in PEX1 are known to be pathogenic (PMID: 9398847, 16086329, 16141001, 21031596, 26387595, 31831025).

Literature cited by the submitters: PubMed 9398847; PubMed 16086329; PubMed 16141001; PubMed 21031596; PubMed 26387595; PubMed 31831025.

NM_000466.3(PEX1):c.249del (p.Lys83fs)

Gene: PEX1 (peroxisomal biogenesis factor 1; minus strand). Cytogenetic location: 7q21.2.
Variant type: Deletion.
Coding change: c.249del on transcript NM_000466.3 (MANE Select); coding-DNA position 249, one base deleted (A; older notation c.249delA).
Protein change: p.Lys83fs; shifts the reading frame from lysine 83.
Molecular consequence: frameshift variant. On other transcripts: 5 prime UTR variant (1).
Genome position (GRCh38, 1-based): chr7:92,522,126, T deleted on the plus strand (A on the coding strand, the reverse complement: PEX1 is on the minus strand); the first of 5 consecutive T bases (chr7:92,522,126-92,522,130); deleting any one gives the same sequence. VCF-style (leftmost placement, unchanged base first): chr7-92522125-GT-G. GRCh37 (hg19) VCF-style: chr7-92151439-GT-G.
Other names: c.249del, p.Lys83fs (NM_001282677.2); c.-411del (NM_001282678.2); short protein forms K83fs.
Identifiers: ClinVar variation 954386 (VCV000954386.7), dbSNP rs1793076317, ClinGen allele CA1139659845.
Genomic context (GRCh38, chr7:92,522,125, plus strand): 5'-ATATTAGAAGAAAGTTATTGCCATCACATGTGCTTACCTGTCCCCCATTTGAGAGTCCAA[GT>G]TTTTGACCAACTTGTCTGTTAATTTCAGCCACATTTTCACCTTGATCACTAAAATGCCTG-3'